The following is an entry in ClinVar:

ClinVar aggregate classification (germline): Uncertain significance (1 of 4 stars; one submission).

Submission:

Labcorp Genetics (formerly Invitae), Labcorp
Classification: Uncertain significance. Last evaluated: 2024-06-22. Review status: criteria provided, single submitter. Criteria: Invitae Variant Classification Sherloc (09022015). Collection method: clinical testing. Allele origin: germline.
Comment: This sequence change replaces valine, which is neutral and non-polar, with methionine, which is neutral and non-polar, at codon 3682 of the FAT2 protein (p.Val3682Met). Information on the frequency of this variant in the gnomAD database is not available, as this variant may be reported differently in the database. This variant has not been reported in the literature in individuals affected with FAT2-related conditions. Experimental studies and prediction algorithms are not available or were not evaluated, and the functional significance of this variant is currently unknown. In summary, the available evidence is currently insufficient to determine the role of this variant in disease. Therefore, it has been classified as a Variant of Uncertain Significance.

NM_001447.3(FAT2):c.11043_11044inv (p.Val3682Met)

Genes: FAT2 (FAT atypical cadherin 2; minus strand), SLC36A1 (solute carrier family 36 member 1; plus strand). Cytogenetic location: 5q33.1.
Variant type: Inversion.
Coding change: c.11043_11044inv on transcript NM_001447.3 (MANE Select).
Protein change: p.Val3682Met; replaces valine 3682 with methionine.
Molecular consequence: missense variant.
Genome position: GRCh38 VCF-style: chr5-151521549-CA-TG. GRCh37 (hg19) VCF-style: chr5-150901110-CA-TG.
Other names: short protein forms V3682M.
Identifiers: ClinVar variation 3624416 (VCV003624416.2).